The following is an entry in ClinVar:

ClinVar aggregate classification (germline): Uncertain significance (1 of 4 stars; one submission).

Conditions:
Catecholaminergic polymorphic ventricular tachycardia 1. Also called: VENTRICULAR TACHYCARDIA, CATECHOLAMINERGIC POLYMORPHIC, 1, WITH OR WITHOUT ATRIAL DYSFUNCTION AND/OR DILATED CARDIOMYOPATHY; VENTRICULAR TACHYCARDIA, STRESS-INDUCED POLYMORPHIC 1; RYR2-Related Catecholaminergic Polymorphic Ventricular Tachycardia. Identifiers: Orphanet 3286, MedGen C1631597, MONDO:0011484, OMIM 604772.

Submission:

Centre for Mendelian Genomics, University Medical Centre Ljubljana
Classification: Uncertain significance for Catecholaminergic polymorphic ventricular tachycardia 1. Last evaluated: 2019-01-21. Review status: criteria provided, single submitter. Criteria: ACMG Guidelines, 2015. Collection method: clinical testing. Allele origin: unknown. Affected: yes.
Comment: This variant was classified as: Uncertain significance. The available evidence favors the pathogenic nature of this variant, however the currently available data is insufficient to conclusively support its pathogenic nature. Thus this variant is classified as Uncertain significance - favor pathogenic. The following ACMG criteria were applied in classifying this variant: PM2,PP2,PP3,PP4.

NM_001035.3(RYR2):c.9129G>T (p.Arg3043Ser)

Gene: RYR2 (ryanodine receptor 2; plus strand). Cytogenetic location: 1q43.
Variant type: single nucleotide variant.
Coding change: c.9129G>T on transcript NM_001035.3 (MANE Select); coding-DNA position 9129, G replaced by T.
Protein change: p.Arg3043Ser; replaces arginine 3043 with serine.
Molecular consequence: missense variant.
Genome position (GRCh38, 1-based): chr1:237,700,229, G>T. VCF-style: chr1-237700229-G-T. GRCh37 (hg19) VCF-style: chr1-237863529-G-T.
Other names: short protein forms R3043S.
Identifiers: ClinVar variation 931026 (VCV000931026.3), dbSNP rs1687847434, ClinGen allele CA345405372.